The following is an entry in ClinVar:

NM_001267550.2(TTN):c.24114C>T (p.Asn8038=)

Gene: TTN (titin; minus strand). Cytogenetic location: 2q31.2.
Variant type: single nucleotide variant.
Coding change: c.24114C>T on transcript NM_001267550.2 (MANE Select); coding-DNA position 24114, C replaced by T.
Protein change: p.Asn8038=; no amino-acid change (asparagine 8038 retained).
Molecular consequence: synonymous variant. On other transcripts: intron variant (3).
Genome position (GRCh38, 1-based): chr2:178,719,276, G>A on the plus strand (C>T on the coding strand, the complement: TTN is on the minus strand). VCF-style: chr2-178719276-G-A. GRCh37 (hg19) VCF-style: chr2-179584003-G-A.
Other names: c.20382C>T, p.Asn6794= (NM_133378.4); c.23163C>T, p.Asn7721= (NM_001256850.1); c.13282+18806C>T (NM_003319.4); c.13858+18806C>T (NM_133437.4); c.13657+18806C>T (NM_133432.3).
Identifiers: ClinVar variation 46724 (VCV000046724.27), dbSNP rs199576800, ClinGen allele CA139052.

ClinVar aggregate classification (germline): Conflicting classifications of pathogenicity. Review status: criteria provided, conflicting classifications (1 of 4 stars). 12 submissions from 8 submitters: Uncertain significance (4); Likely benign (8). Last evaluated 2026-09-01.

Conditions:
TTN-related disorder. Also called: TTN-related disorders; TTN-related condition; TTN-related disease.
Autosomal recessive limb-girdle muscular dystrophy type 2J (LGMDR10). Also called: MUSCULAR DYSTROPHY, LIMB-GIRDLE, AUTOSOMAL RECESSIVE 10; Limb-girdle muscular dystrophy, type 2J. Identifiers: Orphanet 140922, MedGen C1837342, MONDO:0012127, OMIM 608807.
Dilated cardiomyopathy 1G (CMD1G). Identifiers: Orphanet 154, MedGen C1858763, MONDO:0011400, OMIM 604145.
Early-onset myopathy with fatal cardiomyopathy (CMYO5). Also called: CONGENITAL MYOPATHY 5 WITH CARDIOMYOPATHY; Salih Myopathy. Identifiers: Orphanet 289377, MedGen C2673677, MONDO:0012714, OMIM 611705. Disease mechanism: loss of function.
Myopathy, myofibrillar, 9, with early respiratory failure (MFM9). Also called: Myopathy, distal, with early respiratory failure, autosomal dominant; Hereditary myopathy with early respiratory failure; EDSTROM MYOPATHY; MYOPATHY, PROXIMAL, WITH EARLY RESPIRATORY MUSCLE INVOLVEMENT. Identifiers: Orphanet 178464, Orphanet 34521, MedGen C1863599, MONDO:0011362, OMIM 603689.
Tibial muscular dystrophy (TMD). Also called: Tibial muscular dystrophy, tardive; Udd Distal Myopathy – Tibial Muscular Dystrophy; UDD MYOPATHY. Identifiers: Orphanet 609, MedGen C1838244, MONDO:0010870, OMIM 600334.

Allele frequency attached by ClinVar (database versions not stated): ExAC 0.00006; gnomAD 0.00005; gnomAD exomes 0.00005 and 0.00006; TOPMed 0.00003.
gnomAD v4.1: 84 of 1,613,620 alleles (0.0052%); highest among the groups gnomAD compares: Middle Eastern, 0.016%; 1 homozygote.

Submissions (12):

CeGaT Center for Human Genetics Tuebingen
Classification: Likely benign. Last evaluated: 2026-09-01. Review status: criteria provided, single submitter. Criteria: CeGaT Center For Human Genetics Tuebingen Variant Classification Criteria Version 2. Collection method: clinical testing. Allele origin: germline. Affected: yes. Observed: 1 variant allele.
Comment: TTN: BP4, BP7

Labcorp Genetics (formerly Invitae), Labcorp
Classification: Likely benign for Dilated cardiomyopathy 1G; Autosomal recessive limb-girdle muscular dystrophy type 2J. Last evaluated: 2025-12-29. Review status: criteria provided, single submitter. Criteria: Invitae Variant Classification Sherloc (09022015). Collection method: clinical testing. Allele origin: germline.

PreventionGenetics, part of Exact Sciences
Classification: Likely benign for TTN-related condition. Last evaluated: 2025-09-04. Review status: criteria provided, single submitter. Criteria: ACMG Guidelines, 2015. Collection method: clinical testing. Allele origin: germline.
Comment: This variant is classified as likely benign based on ACMG/AMP sequence variant interpretation guidelines (Richards et al. 2015 PMID: 25741868, with internal and published modifications).

Blueprint Genetics
Classification: Likely benign. Last evaluated: 2024-09-11. Review status: criteria provided, single submitter. Criteria: ACMG Guidelines, 2015. Collection method: clinical testing. Allele origin: germline.

Women's Health and Genetics/Laboratory Corporation of America, LabCorp
Classification: Likely benign. Last evaluated: 2021-10-09. Review status: criteria provided, single submitter. Criteria: LabCorp Variant Classification Summary - May 2015. Collection method: clinical testing. Allele origin: germline.

Illumina Laboratory Services, Illumina
Classification: Uncertain significance for Autosomal recessive limb-girdle muscular dystrophy type 2J. Last evaluated: 2018-01-12. Review status: criteria provided, single submitter. Criteria: ICSL Variant Classification Criteria 13 December 2019. Collection method: clinical testing. Allele origin: germline.

Illumina Laboratory Services, Illumina
Classification: Uncertain significance for Dilated cardiomyopathy 1G. Last evaluated: 2018-01-12. Review status: criteria provided, single submitter. Criteria: ICSL Variant Classification Criteria 13 December 2019. Collection method: clinical testing. Allele origin: germline.

Illumina Laboratory Services, Illumina
Classification: Likely benign for Myopathy, myofibrillar, 9, with early respiratory failure. Last evaluated: 2018-01-12. Review status: criteria provided, single submitter. Criteria: ICSL Variant Classification Criteria 13 December 2019. Collection method: clinical testing. Allele origin: germline.
Comment: This variant was observed in the ICSL laboratory as part of a predisposition screen in an ostensibly healthy population. It had not been previously curated by ICSL or reported in the Human Gene Mutation Database (HGMD: prior to June 1st, 2018), and was therefore a candidate for classification through an automated scoring system. Utilizing variant allele frequency, disease prevalence and penetrance estimates, and inheritance mode, an automated score was calculated to assess if this variant is too frequent to cause the disease. Based on the score and internal cut-off values, a variant classified as likely benign is not then subjected to further curation. The score for this variant resulted in a classification of likely benign for this disease.

Illumina Laboratory Services, Illumina
Classification: Uncertain significance for Early-onset myopathy with fatal cardiomyopathy. Last evaluated: 2018-01-12. Review status: criteria provided, single submitter. Criteria: ICSL Variant Classification Criteria 13 December 2019. Collection method: clinical testing. Allele origin: germline.

Illumina Laboratory Services, Illumina
Classification: Likely benign for Tibial muscular dystrophy. Last evaluated: 2018-01-12. Review status: criteria provided, single submitter. Criteria: ICSL Variant Classification Criteria 13 December 2019. Collection method: clinical testing. Allele origin: germline.
Comment: the same text as in the submission from Illumina Laboratory Services, Illumina above.

Eurofins Ntd Llc (ga)
Classification: Uncertain significance. Last evaluated: 2016-12-29. Review status: criteria provided, single submitter. Criteria: EGL Classification Definitions 2015. Collection method: clinical testing. Allele origin: germline. Observed: 2 variant alleles, 2 heterozygotes.

Laboratory for Molecular Medicine, Mass General Brigham Personalized Medicine
Classification: Likely benign. Last evaluated: 2013-03-01. Review status: criteria provided, single submitter. Criteria: LMM Criteria. Collection method: clinical testing. Allele origin: germline. Observed: 1 variant allele.
Comment: Asn6794Asn in exon 80 of TTN: This variant is not expected to have clinical sign ificance because it does not alter an amino acid residue and is not located with in the splice consensus sequence. It has been identified in 1/593 chromosomes fr om a clinically and racially unspecified population (dbSNP rs199576800). Asn67 94Asn in exon 80 of TTN (rs199576800; allele frequency = 1/593)